The following is an entry in ClinVar:

ClinVar aggregate classification (germline): Uncertain significance. Review status: criteria provided, multiple submitters, no conflicts (2 of 4 stars). 2 submissions from 2 submitters: Uncertain significance (2). Last evaluated 2022-11-21.

Conditions:
Hereditary cancer-predisposing syndrome. Also called: Neoplastic Syndromes, Hereditary; Hereditary neoplastic syndrome; Tumor predisposition; Hereditary Cancer Syndrome. Identifiers: Orphanet 140162, MedGen C0027672, MeSH D009386, MONDO:0015356.

Allele frequency attached by ClinVar (database versions not stated): gnomAD exomes below 0.00001.
gnomAD v4.1: 2 of 629,824 alleles (0.00032%); highest among the groups gnomAD compares: Non-Finnish European, 0.00054%; no homozygotes.

Submissions (2):

Color Diagnostics, LLC DBA Color Health
Classification: Uncertain significance for Hereditary cancer-predisposing syndrome. Last evaluated: 2022-11-21. Review status: criteria provided, single submitter. Criteria: ACMG Guidelines, 2015. Collection method: clinical testing. Allele origin: germline.
Comment: This missense variant replaces methionine with arginine at codon 827 of the PMS2 protein. Computational prediction suggests that this variant may have deleterious impact on protein structure and function (internally defined REVEL score threshold >= 0.7, PMID: 27666373). To our knowledge, functional studies have not been reported for this variant. This variant has not been reported in individuals affected with PMS2-related disorders in the literature. This variant has not been identified in the general population by the Genome Aggregation Database (gnomAD). The available evidence is insufficient to determine the role of this variant in disease conclusively. Therefore, this variant is classified as a Variant of Uncertain Significance.

Ambry Genetics
Classification: Uncertain significance for Hereditary cancer-predisposing syndrome. Last evaluated: 2022-11-11. Review status: criteria provided, single submitter. Criteria: Ambry Variant Classification Scheme 2023. Collection method: clinical testing. Allele origin: germline.
Comment: The p.M827R variant (also known as c.2480T>G), located in coding exon 15 of the PMS2 gene, results from a T to G substitution at nucleotide position 2480. The methionine at codon 827 is replaced by arginine, an amino acid with similar properties. This amino acid position is conserved. In addition, this alteration is predicted to be deleterious by in silico analysis. Since supporting evidence is limited at this time, the clinical significance of this alteration remains unclear.

NM_000535.7(PMS2):c.2480T>G (p.Met827Arg)

Gene: PMS2 (PMS1 homolog 2, mismatch repair system component; minus strand). Cytogenetic location: 7p22.1.
Variant type: single nucleotide variant.
Coding change: c.2480T>G on transcript NM_000535.7 (MANE Select); coding-DNA position 2480, T replaced by G.
Protein change: p.Met827Arg; replaces methionine 827 with arginine.
Molecular consequence: missense variant. On other transcripts: non-coding transcript variant (1).
Genome position (GRCh38, 1-based): chr7:5,973,508, A>C on the plus strand (T>G on the coding strand, the complement: PMS2 is on the minus strand). VCF-style: chr7-5973508-A-C. GRCh37 (hg19) VCF-style: chr7-6013139-A-C.
Other names: c.2075T>G, p.Met692Arg (NM_001406891.1, NM_001406892.1, NM_001406893.1 and 12 more transcripts); c.2015T>G, p.Met672Arg (NM_001406900.1); c.1709T>G, p.Met570Arg (NM_001406911.1); c.1277T>G, p.Met426Arg (NM_001406912.1); c.2006T>G, p.Met669Arg (NM_001406901.1, NM_001406902.1); c.1994T>G, p.Met665Arg (NM_001406903.1); c.1967T>G, p.Met656Arg (NM_001406904.1, NM_001406905.1); c.1919T>G, p.Met640Arg (NM_001406906.1, NM_001406907.1, NM_001322010.2); and 20 more; short protein forms M640R, M656R, M665R, M692R, M721R, M771R, M786R, M827R.
Identifiers: ClinVar variation 2471022 (VCV002471022.4), dbSNP rs2128658626, ClinGen allele CA366734971.